The following is an entry in ClinVar:

NM_001170629.2(CHD8):c.6910C>G (p.Pro2304Ala)

Genes: CHD8 (chromodomain helicase DNA binding protein 8; minus strand), LOC126861888 (CDK7 strongly-dependent group 2 enhancer GRCh37_chr14:21859227-21860426; plus strand). Cytogenetic location: 14q11.2.
Variant type: single nucleotide variant.
Coding change: c.6910C>G on transcript NM_001170629.2 (MANE Select); coding-DNA position 6910, C replaced by G.
Protein change: p.Pro2304Ala; replaces proline 2304 with alanine.
Molecular consequence: missense variant.
Genome position (GRCh38, 1-based): chr14:21,391,618, G>C on the plus strand (C>G on the coding strand, the complement: CHD8 is on the minus strand). VCF-style: chr14-21391618-G-C. GRCh37 (hg19) VCF-style: chr14-21859777-G-C.
Other names: c.6073C>G, p.Pro2025Ala (NM_020920.4); short protein forms P2025A, P2304A.
Identifiers: ClinVar variation 3369477 (VCV003369477.1).
Genomic context (GRCh38, chr14:21,391,618, plus strand): 5'-TACCATCCACCTTATTGATGACAGGGATCCGGGTCTCCAGGTCCACATCAAGGTGATTAG[G>C]CTCTTCCATGCACTCCACCTCCAGCTGCAAACCCAGAATCCACCCCCATGAGCACATACT-3'
Protein context (NP_001164100.1, residues 2294-2314): VELEVECMEE[Pro2304Ala]NHLDVDLETR

ClinVar aggregate classification (germline): Uncertain significance (1 of 4 stars; one submission).

Submission:

GeneDx
Classification: Uncertain significance. Last evaluated: 2024-02-20. Review status: criteria provided, single submitter. Criteria: GeneDx Variant Classification Process June 2021. Collection method: clinical testing. Allele origin: germline. Affected: yes.
Comment: Not observed at significant frequency in large population cohorts (gnomAD); In silico analysis supports that this missense variant has a deleterious effect on protein structure/function; Has not been previously published as pathogenic or benign to our knowledge